The following is an entry in ClinVar:

NM_000179.3(MSH6):c.3991C>A (p.Arg1331=)

Gene: MSH6 (mutS homolog 6; plus strand). Cytogenetic location: 2p16.3.
Variant type: single nucleotide variant.
Coding change: c.3991C>A on transcript NM_000179.3 (MANE Select); coding-DNA position 3991, C replaced by A.
Protein change: p.Arg1331=; no amino-acid change (arginine 1331 retained).
Molecular consequence: synonymous variant.
Genome position (GRCh38, 1-based): chr2:47,806,641, C>A. VCF-style: chr2-47806641-C-A. GRCh37 (hg19) VCF-style: chr2-48033780-C-A.
Other names: c.3601C>A, p.Arg1201= (NM_001281492.2); c.3085C>A, p.Arg1029= (NM_001281493.2, NM_001281494.2).
Identifiers: ClinVar variation 765268 (VCV000765268.17), dbSNP rs267608094, ClinGen allele CA426122223.

ClinVar aggregate classification (germline): Benign/Likely benign. Review status: criteria provided, multiple submitters, no conflicts (2 of 4 stars). 4 submissions from 4 submitters: Benign (1); Likely benign (3). Last evaluated 2025-01-08.

Conditions:
Hereditary cancer-predisposing syndrome. Also called: Tumor predisposition; Hereditary neoplastic syndrome; Neoplastic Syndromes, Hereditary; Hereditary Cancer Syndrome. Identifiers: Orphanet 140162, MedGen C0027672, MeSH D009386, MONDO:0015356.
Hereditary nonpolyposis colorectal neoplasms. Identifiers: MedGen C0009405, MeSH D003123.
Lynch syndrome 5 (LYNCH5). Also called: Hereditary non-polyposis colorectal cancer, type 5; Colorectal cancer, hereditary nonpolyposis, type 5. Identifiers: Orphanet 144, MedGen C1833477, MONDO:0013710, OMIM 614350. Disease mechanism: loss of function.

Allele frequency attached by ClinVar (database versions not stated): gnomAD 0.00001.
gnomAD v4.1: 4 of 1,608,208 alleles (0.00025%); highest among the groups gnomAD compares: Non-Finnish European, 0.00034%; no homozygotes.

Submissions (4):

Myriad Genetics, Inc.
Classification: Benign for Lynch syndrome 5. Last evaluated: 2025-01-08. Review status: criteria provided, single submitter. Criteria: Myriad Autosomal Dominant, Autosomal Recessive and X-Linked Classification Criteria (2023). Collection method: clinical testing. Allele origin: unknown.
Comment: This variant is considered benign. This variant is a silent/synonymous amino acid change and it is not expected to impact splicing.

Labcorp Genetics (formerly Invitae), Labcorp
Classification: Likely benign for Hereditary nonpolyposis colorectal neoplasms. Last evaluated: 2023-12-14. Review status: criteria provided, single submitter. Criteria: Invitae Variant Classification Sherloc (09022015). Collection method: clinical testing. Allele origin: germline.

Blueprint Genetics
Classification: Likely benign. Last evaluated: 2022-09-20. Review status: criteria provided, single submitter. Criteria: ACMG Guidelines, 2015. Collection method: clinical testing. Allele origin: germline.

Ambry Genetics
Classification: Likely benign for Hereditary cancer-predisposing syndrome. Last evaluated: 2019-10-14. Review status: criteria provided, single submitter. Criteria: Ambry Variant Classification Scheme 2023. Collection method: clinical testing. Allele origin: germline.